The following is an entry in ClinVar:

ClinVar aggregate classification (germline): Uncertain significance (1 of 4 stars; one submission).

Allele frequency attached by ClinVar (database versions not stated): gnomAD exomes below 0.00001.
gnomAD v4.1: 1 of 1,613,646 alleles (0.000062%); highest among the groups gnomAD compares: African/African-American, 0.0013%; no homozygotes.

Submission:

Labcorp Genetics (formerly Invitae), Labcorp
Classification: Uncertain significance. Last evaluated: 2022-04-18. Review status: criteria provided, single submitter. Criteria: Invitae Variant Classification Sherloc (09022015). Collection method: clinical testing. Allele origin: germline.
Comment: In summary, the available evidence is currently insufficient to determine the role of this variant in disease. Therefore, it has been classified as a Variant of Uncertain Significance. Algorithms developed to predict the effect of missense changes on protein structure and function (SIFT, PolyPhen-2, Align-GVGD) all suggest that this variant is likely to be disruptive. This variant has not been reported in the literature in individuals affected with ARHGEF18-related conditions. This variant is not present in population databases (gnomAD no frequency). This sequence change replaces glutamic acid, which is acidic and polar, with aspartic acid, which is acidic and polar, at codon 323 of the ARHGEF18 protein (p.Glu323Asp).

NM_001367823.1(ARHGEF18):c.1533G>T (p.Glu511Asp)

Gene: ARHGEF18 (Rho/Rac guanine nucleotide exchange factor 18; plus strand). Cytogenetic location: 19p13.2.
Variant type: single nucleotide variant.
Coding change: c.1533G>T on transcript NM_001367823.1 (MANE Select); coding-DNA position 1533, G replaced by T.
Protein change: p.Glu511Asp; replaces glutamic acid 511 with aspartic acid.
Molecular consequence: missense variant.
Genome position (GRCh38, 1-based): chr19:7,444,376, G>T. VCF-style: chr19-7444376-G-T. GRCh37 (hg19) VCF-style: chr19-7509262-G-T.
Other names: c.807G>T, p.Glu269Asp (NM_001130955.2); c.495G>T, p.Glu165Asp (NM_001367824.1, NM_015318.4); short protein forms E269D, E511D, E165D.
Identifiers: ClinVar variation 2127757 (VCV002127757.4), dbSNP rs2512460824, ClinGen allele CA403103938.
Genomic context (GRCh38, chr19:7,444,376, plus strand): 5'-CTTCCCATGCGCTGACGACCTGCTGGAGACGCACAGCCACTTCCTCGCTCGGCTCAAGGA[G>T]CGCCGCCAGGAGTCCCTGGAGGAGGGCAGTGACCGGAATTATGTCATCCAGAAAATCGGC-3'
Protein context (NP_001354752.1, residues 501-521): THSHFLARLK[Glu511Asp]RRQESLEEGS